The following is an entry in ClinVar:

NM_000489.6(ATRX):c.2773T>C (p.Ser925Pro)

Gene: ATRX (ATRX chromatin remodeler; minus strand). Cytogenetic location: Xq21.1.
Variant type: single nucleotide variant.
Coding change: c.2773T>C on transcript NM_000489.6 (MANE Select); coding-DNA position 2773, T replaced by C.
Protein change: p.Ser925Pro; replaces serine 925 with proline.
Molecular consequence: missense variant.
Genome position (GRCh38, 1-based): chrX:77,682,483, A>G on the plus strand (T>C on the coding strand, the complement: ATRX is on the minus strand). VCF-style: chrX-77682483-A-G. GRCh37 (hg19) VCF-style: chrX-76937975-A-G.
Other names: c.2659T>C, p.Ser887Pro (NM_138270.5); short protein forms S887P, S925P.
Identifiers: ClinVar variation 4687788 (VCV004687788.1).
Genomic context (GRCh38, chrX:77,682,483, plus strand): 5'-TTTCTTTAGTTTCAGCAACTTTTCTAACTTCCAAAGAAGTAAAACTCTCCTCTTTCCCAG[A>G]AAGCTTATCGACACCATCAGTGGAAGCACTTGCTTGCTGCTTCTTAGGAAGTCGATCTCT-3'
Protein context (NP_000480.3, residues 915-935): SASTDGVDKL[Ser925Pro]GKEESFTSLE

ClinVar aggregate classification (germline): Uncertain significance (1 of 4 stars; one submission).

Submission:

Women's Health and Genetics/Laboratory Corporation of America, LabCorp
Classification: Uncertain significance. Last evaluated: 2025-10-23. Review status: criteria provided, single submitter. Criteria: LabCorp Variant Classification Summary - May 2015. Collection method: clinical testing. Allele origin: germline.
Comment: Variant summary: ATRX c.2773T>C (p.Ser925Pro) results in a non-conservative amino acid change in the encoded protein sequence. Algorithms developed to predict the effect of missense changes on protein structure and function are either unavailable or do not agree on the potential impact of this missense change. The variant was absent in 182556 control chromosomes. The available data on variant occurrences in the general population are insufficient to allow any conclusion about variant significance. To our knowledge, no occurrence of c.2773T>C in individuals affected with ATRX-related conditions and no experimental evidence demonstrating its impact on protein function have been reported. No submitters have cited clinical-significance assessments for this variant to ClinVar. Based on the evidence outlined above, the variant was classified as uncertain significance.